The following is an entry in ClinVar:

ClinVar aggregate classification (germline): Uncertain significance (1 of 4 stars; one submission).

Conditions:
Kufor-Rakeb syndrome (KRS). Also called: PARKINSON DISEASE 9, AUTOSOMAL RECESSIVE, JUVENILE-ONSET. Identifiers: Orphanet 306674, Orphanet 314632, MedGen C1847640, MONDO:0011706, OMIM 606693.
Autosomal recessive spastic paraplegia type 78. Identifiers: Orphanet 513436, MedGen C5567893, MONDO:0014975, OMIM 617225.

Allele frequency attached by ClinVar (database versions not stated): gnomAD 0.00006; TOPMed 0.00006.
gnomAD v4.1: 74 of 1,614,064 alleles (0.0046%); highest among the groups gnomAD compares: East Asian, 0.029%; no homozygotes.

Submission:

Labcorp Genetics (formerly Invitae), Labcorp
Classification: Uncertain significance for Kufor-Rakeb syndrome; Autosomal recessive spastic paraplegia type 78. Last evaluated: 2025-11-03. Review status: criteria provided, single submitter. Criteria: Invitae Variant Classification Sherloc (09022015). Collection method: clinical testing. Allele origin: germline.
Comment: This sequence change replaces tryptophan, which is neutral and slightly polar, with leucine, which is neutral and non-polar, at codon 71 of the ATP13A2 protein (p.Trp71Leu). This variant is present in population databases (rs373607247, gnomAD 0.04%). This missense change has been observed in individual(s) with ATP13A2-related conditions (PMID: 29606608). ClinVar contains an entry for this variant (Variation ID: 649178). Invitae Evidence Modeling of protein sequence and biophysical properties (such as structural, functional, and spatial information, amino acid conservation, physicochemical variation, residue mobility, and thermodynamic stability) indicates that this missense variant is not expected to disrupt ATP13A2 protein function with a negative predictive value of 80%. In summary, the available evidence is currently insufficient to determine the role of this variant in disease. Therefore, it has been classified as a Variant of Uncertain Significance.

Literature cited by the submitters: PubMed 29606608.

NM_022089.4(ATP13A2):c.212G>T (p.Trp71Leu)

Gene: ATP13A2 (ATPase cation transporting 13A2; minus strand). Cytogenetic location: 1p36.13.
Variant type: single nucleotide variant.
Coding change: c.212G>T on transcript NM_022089.4 (MANE Select); coding-DNA position 212, G replaced by T.
Protein change: p.Trp71Leu; replaces tryptophan 71 with leucine.
Molecular consequence: missense variant.
Genome position (GRCh38, 1-based): chr1:17,005,450, C>A on the plus strand (G>T on the coding strand, the complement: ATP13A2 is on the minus strand). VCF-style: chr1-17005450-C-A. GRCh37 (hg19) VCF-style: chr1-17331945-C-A.
Other names: c.212G>T, p.Trp71Leu (NM_001141973.3, NM_001141974.3); short protein forms W71L.
Identifiers: ClinVar variation 649178 (VCV000649178.4), dbSNP rs373607247, ClinGen allele CA637730.
Genomic context (GRCh38, chr1:17,005,450, plus strand): 5'-TCGATAACGAGTGTTTCGGCGTGGGCCAGGTTGCAGGGCCGGAGCCGCAGCCGCACCCCC[C>A]ACAGGGGCTTCCAACGGAAGAGCAGCAAAGGGATCCCAGCCATCATCCAGACCACGACGT-3'
Protein context (NP_071372.1, residues 61-81): PLLLFRWKPL[Trp71Leu]GVRLRLRPCN